The following is an entry in ClinVar:

NM_018076.5(ODAD2):c.2800-3C>G

Gene: ODAD2 (outer dynein arm docking complex subunit 2; minus strand). Cytogenetic location: 10p12.1.
Variant type: single nucleotide variant.
Coding change: c.2800-3C>G on transcript NM_018076.5 (MANE Select); 3 bases into the intron before coding-DNA position 2800, C replaced by G.
Molecular consequence: intron variant.
Genome position (GRCh38, 1-based): chr10:27,860,849, G>C on the plus strand (C>G on the coding strand, the complement: ODAD2 is on the minus strand). VCF-style: chr10-27860849-G-C. GRCh37 (hg19) VCF-style: chr10-28149778-G-C.
Other names: c.2800-3C>G (NM_001290020.2); c.1876-3C>G (NM_001312689.2); c.1375-3C>G (NM_001290021.2).
Identifiers: ClinVar variation 2043839 (VCV002043839.4), dbSNP rs1839995075, ClinGen allele CA926218694.

ClinVar aggregate classification (germline): Uncertain significance (1 of 4 stars; one submission).

Conditions:
Primary ciliary dyskinesia 23 (CILD23). Also called: CILIARY DYSKINESIA, PRIMARY, 23, WITH OR WITHOUT SITUS INVERSUS. Identifiers: Orphanet 244, MedGen C3809548, MONDO:0014193, OMIM 615451.

Allele frequency attached by ClinVar (database versions not stated): gnomAD exomes below 0.00001; gnomAD 0.00001.

Submission:

Labcorp Genetics (formerly Invitae), Labcorp
Classification: Uncertain significance for Primary ciliary dyskinesia 23. Last evaluated: 2022-02-04. Review status: criteria provided, single submitter. Criteria: Invitae Variant Classification Sherloc (09022015). Collection method: clinical testing. Allele origin: germline.
Comment: Variants that disrupt the consensus splice site are a relatively common cause of aberrant splicing (PMID: 17576681, 9536098). Algorithms developed to predict the effect of sequence changes on RNA splicing suggest that this variant may disrupt the consensus splice site. In summary, the available evidence is currently insufficient to determine the role of this variant in disease. Therefore, it has been classified as a Variant of Uncertain Significance. This variant has been observed in individual(s) with clinical features of primary ciliary dyskinesia (Invitae). This sequence change falls in intron 18 of the ARMC4 gene. It does not directly change the encoded amino acid sequence of the ARMC4 protein. It affects a nucleotide within the consensus splice site. This variant is not present in population databases (gnomAD no frequency).

Literature cited by the submitters: PubMed 17576681; PubMed 9536098.